The following is an entry in ClinVar:

NM_002454.3(MTRR):c.106C>T (p.His36Tyr)

Gene: MTRR (5-methyltetrahydrofolate-homocysteine methyltransferase reductase; plus strand). Cytogenetic location: 5p15.31.
Variant type: single nucleotide variant.
Coding change: c.106C>T on transcript NM_002454.3 (MANE Select); coding-DNA position 106, C replaced by T.
Protein change: p.His36Tyr; replaces histidine 36 with tyrosine.
Molecular consequence: missense variant. On other transcripts: non-coding transcript variant (14).
Genome position (GRCh38, 1-based): chr5:7,870,900, C>T. VCF-style: chr5-7870900-C-T. GRCh37 (hg19) VCF-style: chr5-7871013-C-T.
Other names: c.106C>T, p.His36Tyr (NM_001364440.2, NM_001364441.2, NM_001364442.2 and 1 more transcripts); short protein forms H36Y.
Identifiers: ClinVar variation 2140214 (VCV002140214.1), dbSNP rs1270933581, ClinGen allele CA359155724.

ClinVar aggregate classification (germline): Uncertain significance (1 of 4 stars; one submission).

Conditions:
Methylcobalamin deficiency type cblE (HMAE). Also called: HOMOCYSTINURIA-MEGALOBLASTIC ANEMIA, cblE TYPE; VITAMIN B12-RESPONSIVE HOMOCYSTINURIA, cblE TYPE; HOMOCYSTINURIA-MEGALOBLASTIC ANEMIA, cblE COMPLEMENTATION TYPE. Identifiers: Orphanet 2169, Orphanet 622, MedGen C1856057, MONDO:0009354, OMIM 236270.

Allele frequency attached by ClinVar (database versions not stated): gnomAD 0.00001; gnomAD exomes 0.00001; TOPMed 0.00001.
gnomAD v4.1: 6 of 1,614,104 alleles (0.00037%); highest among the groups gnomAD compares: Admixed American, 0.01%; no homozygotes.

Submission:

Labcorp Genetics (formerly Invitae), Labcorp
Classification: Uncertain significance for Methylcobalamin deficiency type cblE. Last evaluated: 2022-05-07. Review status: criteria provided, single submitter. Criteria: Invitae Variant Classification Sherloc (09022015). Collection method: clinical testing. Allele origin: germline.
Comment: This sequence change replaces histidine, which is basic and polar, with tyrosine, which is neutral and polar, at codon 36 of the MTRR protein (p.His36Tyr). This variant is present in population databases (no rsID available, gnomAD 0.009%). This variant has not been reported in the literature in individuals affected with MTRR-related conditions. Algorithms developed to predict the effect of missense changes on protein structure and function are either unavailable or do not agree on the potential impact of this missense change (SIFT: "Tolerated"; PolyPhen-2: "Probably Damaging"; Align-GVGD: "Class C0"). In summary, the available evidence is currently insufficient to determine the role of this variant in disease. Therefore, it has been classified as a Variant of Uncertain Significance.